The following is an entry in ClinVar:

NM_000052.7(ATP7A):c.1142T>G (p.Ile381Arg)

Gene: ATP7A (ATPase copper transporting alpha; plus strand). Cytogenetic location: Xq21.1.
Variant type: single nucleotide variant.
Coding change: c.1142T>G on transcript NM_000052.7 (MANE Select); coding-DNA position 1142, T replaced by G.
Protein change: p.Ile381Arg; replaces isoleucine 381 with arginine.
Molecular consequence: missense variant.
Genome position (GRCh38, 1-based): chrX:77,989,764, T>G. VCF-style: chrX-77989764-T-G. GRCh37 (hg19) VCF-style: chrX-77245260-T-G.
Other names: c.1142T>G, p.Ile381Arg (NM_001282224.2); short protein forms I381R.
Identifiers: ClinVar variation 386499 (VCV000386499.2), dbSNP rs1057522517, ClinGen allele CA16608599.

ClinVar aggregate classification (germline): Uncertain significance (1 of 4 stars; one submission).

Submission:

GeneDx
Classification: Uncertain significance. Last evaluated: 2018-01-24. Review status: criteria provided, single submitter. Criteria: GeneDx Variant Classification (06012015). Collection method: clinical testing. Allele origin: germline. Affected: yes.
Comment: The I381R variant in the ATP7A gene has not been reported previously as a pathogenic variant, nor as a benign variant, to our knowledge. The I381R variant was not observed in approximately 6,500 individuals of European and African American ancestry in the NHLBI Exome Sequencing Project, indicating it is not a common benign variant in these populations. The I381R variant is a non-conservative amino acid substitution, which is likely to impact secondary protein structure as these residues differ in polarity, charge, size and/or other properties. This substitution occurs at a position where amino acids with similar properties to Isoleucine are tolerated across species. In silico analysis predicts this variant is probably damaging to the protein structure/function. We interpret I381R as a variant of uncertain significance.